The following is an entry in ClinVar:

ClinVar aggregate classification (germline): Uncertain significance (1 of 4 stars; one submission).

gnomAD v4.1: 1 of 1,613,728 alleles (0.000062%); highest among the groups gnomAD compares: Admixed American, 0.0017%; no homozygotes.

Submission:

GeneDx
Classification: Uncertain significance. Last evaluated: 2024-07-31. Review status: criteria provided, single submitter. Criteria: GeneDx Variant Classification Process June 2021. Collection method: clinical testing. Allele origin: germline. Affected: yes.
Comment: Not observed at significant frequency in large population cohorts (gnomAD); In silico analysis indicates that this variant does not alter splicing; Has not been previously published as pathogenic or benign to our knowledge

NM_018122.5(DARS2):c.54C>T (p.Ile18=)

Gene: DARS2 (aspartyl-tRNA synthetase 2, mitochondrial; plus strand). Cytogenetic location: 1q25.1.
Variant type: single nucleotide variant.
Coding change: c.54C>T on transcript NM_018122.5 (MANE Select); coding-DNA position 54, C replaced by T.
Protein change: p.Ile18=; no amino-acid change (isoleucine 18 retained).
Molecular consequence: synonymous variant.
Genome position (GRCh38, 1-based): chr1:173,825,283, C>T. VCF-style: chr1-173825283-C-T. GRCh37 (hg19) VCF-style: chr1-173794421-C-T.
Other names: c.54C>T, p.Ile18= (NM_001365212.1, NM_001365213.2).
Identifiers: ClinVar variation 3602443 (VCV003602443.1).